The following is an entry in ClinVar:

NM_001267550.2(TTN):c.5090_5091del (p.Lys1697fs)

Gene: TTN (titin; minus strand). Cytogenetic location: 2q31.2.
Variant type: Deletion.
Coding change: c.5090_5091del on transcript NM_001267550.2 (MANE Select); coding-DNA positions 5090 to 5091, 2 bases deleted (AA; older notation c.5090_5091delAA).
Protein change: p.Lys1697fs; shifts the reading frame from lysine 1697.
Molecular consequence: frameshift variant.
Genome position (GRCh38, 1-based): chr2:178,776,773-178,776,774, TT deleted on the plus strand (AA on the coding strand, the reverse complement: TTN is on the minus strand); deleting any 2 consecutive bases within chr2:178,776,773-178,776,775 gives the same sequence; the c. name uses the placement nearest the transcript's 3' end. VCF-style (leftmost placement, unchanged base first): chr2-178776772-CTT-C. GRCh37 (hg19) VCF-style: chr2-179641499-CTT-C.
Other names: c.5090_5091del, p.Lys1697fs (NM_001256850.1, NM_133378.4, NM_133379.5); c.5089_5090delAA, p.Lys1697Argfs (NM_001267550.1); c.4952_4953del, p.Lys1651fs (NM_003319.4, NM_133432.3, NM_133437.4); short protein forms K1651fs, K1697fs.
Identifiers: ClinVar variation 3372088 (VCV003372088.1).
Genomic context (GRCh38, chr2:178,776,772, plus strand): 5'-CAAAGCGCTTAAGTCTTAAGGAAGTGAGTTTTTTCTTGAAAAATGGTTTCTGTTGTTTCT[CTT>C]TGTCATAGAGATCACCTTCTTCCCATTGCTCTTGGCCATATCGCAAATGGAGGGGCTCCA-3'

ClinVar aggregate classification (germline): Uncertain significance (1 of 4 stars; one submission).

Submission:

GeneDx
Classification: Uncertain significance. Last evaluated: 2024-04-16. Review status: criteria provided, single submitter. Criteria: GeneDx Variant Classification Process June 2021. Collection method: clinical testing. Allele origin: germline. Affected: yes.
Comment: Has not been previously published as pathogenic or benign to our knowledge; Not observed at significant frequency in large population cohorts (gnomAD); Frameshift variant predicted to result in protein truncation or nonsense mediated decay in a gene or region of a gene for which loss of function is not a well-established mechanism of disease